The following is an entry in ClinVar:

ClinVar aggregate classification (germline): Uncertain significance (1 of 4 stars; one submission).

Allele frequency attached by ClinVar (database versions not stated): ExAC 0.00001; gnomAD exomes 0.00001 and 0.00002; ESP Exome Variant Server 0.00008.

Submission:

GeneDx
Classification: Uncertain significance. Last evaluated: 2022-01-04. Review status: criteria provided, single submitter. Criteria: GeneDx Variant Classification Process June 2021. Collection method: clinical testing. Allele origin: germline. Affected: yes.
Comment: In silico analysis supports that this missense variant has a deleterious effect on protein structure/function; Has not been previously published as pathogenic or benign to our knowledge

NM_000295.5(SERPINA1):c.700G>A (p.Val234Met)

Gene: SERPINA1 (serpin family A member 1; minus strand). Cytogenetic location: 14q32.13.
Variant type: single nucleotide variant.
Coding change: c.700G>A on transcript NM_000295.5 (MANE Select); coding-DNA position 700, G replaced by A.
Protein change: p.Val234Met; replaces valine 234 with methionine.
Molecular consequence: missense variant.
Genome position (GRCh38, 1-based): chr14:94,381,088, C>T on the plus strand (G>A on the coding strand, the complement: SERPINA1 is on the minus strand). VCF-style: chr14-94381088-C-T. GRCh37 (hg19) VCF-style: chr14-94847425-C-T.
Other names: c.700G>A, p.Val234Met (NM_001002235.3, NM_001002236.3, NM_001127700.2 and 7 more transcripts); short protein forms V234M.
Identifiers: ClinVar variation 1695737 (VCV001695737.2), dbSNP rs374168370, ClinGen allele CA7327425.